The following is an entry in ClinVar:

ClinVar aggregate classification (germline): Benign. Review status: criteria provided, multiple submitters, no conflicts (2 of 4 stars). 8 submissions from 8 submitters: Benign (7). 1 of the submissions does not count toward it. Last evaluated 2026-02-03.

Conditions:
TH-deficient dopa-responsive dystonia. Also called: DYT-TH; Segawa syndrome, autosomal recessive; Tyrosine Hydroxylase-Deficient Dopa-Responsive Dystonia. Identifiers: Orphanet 101150, MedGen C2673535, MONDO:0011551, OMIM 605407.

Allele frequency attached by ClinVar (database versions not stated): gnomAD exomes 0.00396 and 0.01005; 1000 Genomes Project 30x 0.03326; 1000 Genomes Project 0.03355; gnomAD 0.03646 and 0.03941; TOPMed 0.04206; ExAC 0.01220; ESP Exome Variant Server 0.04115.
gnomAD v4.1: 11,664 of 1,612,568 alleles (0.72%); highest among the groups gnomAD compares: African/African-American, 13%; 653 homozygotes.

Submissions (8):

Labcorp Genetics (formerly Invitae), Labcorp
Classification: Benign for TH-deficient dopa-responsive dystonia. Last evaluated: 2026-02-03. Review status: criteria provided, single submitter. Criteria: Invitae Variant Classification Sherloc (09022015). Collection method: clinical testing. Allele origin: germline.

Mayo Clinic Laboratories, Mayo Clinic
Classification: Benign. Last evaluated: 2022-03-24. Review status: criteria provided, single submitter. Criteria: ACMG Guidelines, 2015. Collection method: clinical testing. Allele origin: germline. Observed: 5 variant alleles.

Illumina Laboratory Services, Illumina
Classification: Benign for TH-deficient dopa-responsive dystonia. Last evaluated: 2018-01-13. Review status: criteria provided, single submitter. Criteria: ICSL Variant Classification Criteria 13 December 2019. Collection method: clinical testing. Allele origin: germline.
Comment: This variant was observed in the ICSL laboratory as part of a predisposition screen in an ostensibly healthy population. It had not been previously curated by ICSL or reported in the Human Gene Mutation Database (HGMD: prior to June 1st, 2018), and was therefore a candidate for classification through an automated scoring system. Utilizing variant allele frequency, disease prevalence and penetrance estimates, and inheritance mode, an automated score was calculated to assess if this variant is too frequent to cause the disease. Based on the score and internal cut-off values, a variant classified as benign is not then subjected to further curation. The score for this variant resulted in a classification of benign for this disease.

Athena Diagnostics
Classification: Benign. Last evaluated: 2017-11-02. Review status: criteria provided, single submitter. Criteria: Athena Diagnostics Criteria. Collection method: clinical testing. Allele origin: germline.

GeneDx
Classification: Benign. Last evaluated: 2015-03-03. Review status: criteria provided, single submitter. Criteria: GeneDx Variant Classification Process June 2021. Collection method: clinical testing. Allele origin: germline. Affected: yes.

Breakthrough Genomics
Classification: Benign. Review status: criteria provided, single submitter. Criteria: ACMG Guidelines, 2015. Collection method: not provided. Allele origin: germline. Inheritance: Autosomal recessive inheritance. Affected: yes.

PreventionGenetics, part of Exact Sciences
Classification: Benign. Review status: criteria provided, single submitter. Criteria: ACMG Guidelines, 2015. Collection method: clinical testing. Allele origin: germline.

Natera, Inc.
Classification: Benign for Autosomal recessive Segawa syndrome. Last evaluated: 2020-09-16. Review status: no assertion criteria provided. Collection method: clinical testing. Allele origin: germline. Not counted in ClinVar's aggregate classification.

NM_000360.4(TH):c.210T>C (p.Ala70=)

Gene: TH (tyrosine hydroxylase; minus strand). Cytogenetic location: 11p15.5.
Variant type: single nucleotide variant.
Coding change: c.210T>C on transcript NM_000360.4 (MANE Select); coding-DNA position 210, T replaced by C.
Protein change: p.Ala70=; no amino-acid change (alanine 70 retained).
Molecular consequence: synonymous variant.
Genome position (GRCh38, 1-based): chr11:2,169,752, A>G on the plus strand (T>C on the coding strand, the complement: TH is on the minus strand). VCF-style: chr11-2169752-A-G. GRCh37 (hg19) VCF-style: chr11-2190982-A-G.
Other names: p.Ala101=; c.303T>C, p.Ala101= (NM_199292.3); c.291T>C, p.Ala97= (NM_199293.3).
Identifiers: ClinVar variation 263253 (VCV000263253.21), dbSNP rs7950050, ClinGen allele CA5818759.